The following is an entry in ClinVar:

ClinVar aggregate classification (germline): Likely benign. Review status: criteria provided, multiple submitters, no conflicts (2 of 4 stars). 4 submissions from 4 submitters: Likely benign (3). 1 of the submissions does not count toward it. Last evaluated 2026-01-04.

Conditions:
INPP5E-related disorder. Also called: INPP5E-related condition.
Joubert syndrome. Also called: JOUBERT-BOLTSHAUSER SYNDROME; Familial aplasia of the vermis. Identifiers: Orphanet 475, MedGen C5979921, MONDO:0018772.

Allele frequency attached by ClinVar (database versions not stated): ExAC 0.00003; gnomAD exomes 0.00004; gnomAD 0.00009 and 0.00011; TOPMed 0.00010.
gnomAD v4.1: 81 of 1,613,252 alleles (0.005%); highest among the groups gnomAD compares: East Asian, 0.045%; no homozygotes.

Submissions (4):

Labcorp Genetics (formerly Invitae), Labcorp
Classification: Likely benign for Joubert syndrome. Last evaluated: 2026-01-04. Review status: criteria provided, single submitter. Criteria: Invitae Variant Classification Sherloc (09022015). Collection method: clinical testing. Allele origin: germline.

Blueprint Genetics
Classification: Likely benign. Last evaluated: 2024-09-24. Review status: criteria provided, single submitter. Criteria: ACMG Guidelines, 2015. Collection method: clinical testing. Allele origin: germline.

CeGaT Center for Human Genetics Tuebingen
Classification: Likely benign. Last evaluated: 2024-06-01. Review status: criteria provided, single submitter. Criteria: CeGaT Center For Human Genetics Tuebingen Variant Classification Criteria Version 2. Collection method: clinical testing. Allele origin: germline. Affected: yes. Observed: 1 variant allele.
Comment: INPP5E: BP4, BP7

PreventionGenetics, part of Exact Sciences
Classification: Likely benign for INPP5E-related condition. Last evaluated: 2019-07-31. Review status: no assertion criteria provided. Collection method: clinical testing. Allele origin: germline. Not counted in ClinVar's aggregate classification.
Comment: This variant is classified as likely benign based on ACMG/AMP sequence variant interpretation guidelines (Richards et al. 2015 PMID: 25741868, with internal and published modifications).

NM_019892.6(INPP5E):c.1176G>A (p.Thr392=)

Gene: INPP5E (inositol polyphosphate-5-phosphatase E; minus strand). Cytogenetic location: 9q34.3.
Variant type: single nucleotide variant.
Coding change: c.1176G>A on transcript NM_019892.6 (MANE Select); coding-DNA position 1176, G replaced by A.
Protein change: p.Thr392=; no amino-acid change (threonine 392 retained).
Molecular consequence: synonymous variant.
Genome position (GRCh38, 1-based): chr9:136,433,059, C>T on the plus strand (G>A on the coding strand, the complement: INPP5E is on the minus strand). VCF-style: chr9-136433059-C-T. GRCh37 (hg19) VCF-style: chr9-139327511-C-T.
Other names: c.1176G>A, p.Thr392= (NM_001318502.2); c.1176G>A (NM_019892.5).
Identifiers: ClinVar variation 461745 (VCV000461745.28), dbSNP rs528176529, ClinGen allele CA5336889.